The following is an entry in ClinVar:

ClinVar aggregate classification (germline): Uncertain significance (1 of 4 stars; one submission).

Allele frequency attached by ClinVar (database versions not stated): TOPMed below 0.00001; gnomAD exomes 0.00001; ExAC 0.00002; gnomAD 0.00002; 1000 Genomes Project 30x 0.00016; 1000 Genomes Project 0.00020.
gnomAD v4.1: 22 of 1,613,200 alleles (0.0014%); highest among the groups gnomAD compares: East Asian, 0.0045%; no homozygotes.

Submission:

Labcorp Genetics (formerly Invitae), Labcorp
Classification: Uncertain significance. Last evaluated: 2024-10-10. Review status: criteria provided, single submitter. Criteria: Invitae Variant Classification Sherloc (09022015). Collection method: clinical testing. Allele origin: germline.
Comment: This sequence change replaces proline, which is neutral and non-polar, with leucine, which is neutral and non-polar, at codon 1046 of the HR protein (p.Pro1046Leu). This variant is present in population databases (rs567282732, gnomAD 0.006%). This variant has not been reported in the literature in individuals affected with HR-related conditions. ClinVar contains an entry for this variant (Variation ID: 2186644). An algorithm developed to predict the effect of missense changes on protein structure and function (PolyPhen-2) suggests that this variant is likely to be disruptive. In summary, the available evidence is currently insufficient to determine the role of this variant in disease. Therefore, it has been classified as a Variant of Uncertain Significance.

NM_005144.5(HR):c.3137C>T (p.Pro1046Leu)

Gene: HR (HR lysine demethylase and nuclear receptor corepressor; minus strand). Cytogenetic location: 8p21.3.
Variant type: single nucleotide variant.
Coding change: c.3137C>T on transcript NM_005144.5 (MANE Select); coding-DNA position 3137, C replaced by T.
Protein change: p.Pro1046Leu; replaces proline 1046 with leucine.
Molecular consequence: missense variant.
Genome position (GRCh38, 1-based): chr8:22,119,026, G>A on the plus strand (C>T on the coding strand, the complement: HR is on the minus strand). VCF-style: chr8-22119026-G-A. GRCh37 (hg19) VCF-style: chr8-21976539-G-A.
Other names: c.3137C>T, p.Pro1046Leu (NM_018411.4); short protein forms P1046L.
Identifiers: ClinVar variation 2186644 (VCV002186644.4), dbSNP rs567282732, ClinGen allele CA4661880.